The following is an entry in ClinVar:

ClinVar aggregate classification (germline): Likely benign (0 of 4 stars; one submission).

Conditions:
ADCY3-related disorder. Also called: ADCY3-related condition.

Submission:

PreventionGenetics, part of Exact Sciences
Classification: Likely benign for ADCY3-related condition. Last evaluated: 2022-11-23. Review status: no assertion criteria provided. Collection method: clinical testing. Allele origin: germline.
Comment: This variant is classified as likely benign based on ACMG/AMP sequence variant interpretation guidelines (Richards et al. 2015 PMID: 25741868, with internal and published modifications).

NM_004036.5(ADCY3):c.3128-8T>G

Genes: ADCY3 (adenylate cyclase 3; minus strand), CENPO (centromere protein O; plus strand). Cytogenetic location: 2p23.3.
Variant type: single nucleotide variant.
Coding change: c.3128-8T>G on transcript NM_004036.5 (MANE Select); 8 bases into the intron before coding-DNA position 3128, T replaced by G.
Molecular consequence: intron variant. On other transcripts: 3 prime UTR variant (3), non-coding transcript variant (3).
Genome position (GRCh38, 1-based): chr2:24,820,856, A>C on the plus strand (T>G on the coding strand, the complement: ADCY3 is on the minus strand). VCF-style: chr2-24820856-A-C. GRCh37 (hg19) VCF-style: chr2-25043725-A-C.
Other names: c.*1538A>C (NM_001199803.3, NM_001322101.2, NM_024322.4); c.2576-8T>G (NM_001377130.1); c.2990-8T>G (NM_001377129.1); c.3131-8T>G (NM_001320613.2); c.3194-8T>G (NM_001377128.1); c.3128-8T>G (NM_001377132.1); c.2405-8T>G (NM_001377131.1).
Identifiers: ClinVar variation 3054571 (VCV003054571.2), dbSNP rs2466568158, ClinGen allele CA2740092721.